The following is an entry in ClinVar:

ClinVar aggregate classification (germline): Uncertain significance. Review status: criteria provided, multiple submitters, no conflicts (2 of 4 stars). 5 submissions from 5 submitters: Uncertain significance (5). Last evaluated 2026-06-04.

Conditions:
Occult macular dystrophy (OCMD). Also called: OMD; OCCULT MACULAR DYSTROPHY, SUSCEPTIBILITY TO. Identifiers: Orphanet 247834, MedGen C3150833, MONDO:0013316, OMIM 613587, HP:0030636.
RHO-related disorder. Also called: RHO-related condition.
Microcephaly 17, primary, autosomal recessive (MCPH17). Identifiers: Orphanet 2512, MedGen C4310723, MONDO:0014908, OMIM 617090.

Allele frequency attached by ClinVar (database versions not stated): ExAC 0.00007; gnomAD 0.00008 and 0.00009; gnomAD exomes 0.00009; TOPMed 0.00012.

Submissions (5):

PreventionGenetics, part of Exact Sciences
Classification: Uncertain significance for RHO-related condition. Last evaluated: 2026-06-04. Review status: criteria provided, single submitter. Criteria: ACMG Guidelines, 2015. Collection method: clinical testing. Allele origin: germline.
Comment: The RHO c.173C>T variant is predicted to result in the amino acid substitution p.Thr58Met. This variant was reported, along with a second variant in the same gene, in individuals with retinitis pigmentosa (Clark et al. 2010. PubMed ID: 20591486; Liu et al. 2020. PubMed ID: 32562694). This variant was also described in the heterozygous state in an individual with retinitis pigmentosa (Napier et al. 2015. PubMed ID: 25265376). However, authors of one study suggested that this variant may be benign (Luo et al. 2020. PubMed ID: 33347869). This variant is reported in 0.019% of alleles in individuals of European (Non-Finnish) descent in gnomAD. At this time, the clinical significance of this variant is uncertain due to the absence of conclusive functional and genetic evidence.

Genomic Medicine Center of Excellence, King Faisal Specialist Hospital and Research Centre
Classification: Uncertain significance for Microcephaly 17, primary, autosomal recessive. Last evaluated: 2025-09-10. Review status: criteria provided, single submitter. Criteria: ACMG Guidelines, 2015. Collection method: clinical testing. Allele origin: germline.

Labcorp Genetics (formerly Invitae), Labcorp
Classification: Uncertain significance. Last evaluated: 2025-06-06. Review status: criteria provided, single submitter. Criteria: Invitae Variant Classification Sherloc (09022015). Collection method: clinical testing. Allele origin: germline.
Comment: This sequence change replaces threonine, which is neutral and polar, with methionine, which is neutral and non-polar, at codon 58 of the RHO protein (p.Thr58Met). This variant is present in population databases (rs28933394, gnomAD 0.02%). This missense change has been observed in individual(s) with autosomal dominant retinitis pigmentosa (PMID: 20591486, 25265376). ClinVar contains an entry for this variant (Variation ID: 967490). Invitae Evidence Modeling of protein sequence and biophysical properties (such as structural, functional, and spatial information, amino acid conservation, physicochemical variation, residue mobility, and thermodynamic stability) indicates that this missense variant is expected to disrupt RHO protein function with a positive predictive value of 95%. Experimental studies are conflicting or provide insufficient evidence to determine the effect of this variant on RHO function (PMID: 8486634, 30977563). In summary, the available evidence is currently insufficient to determine the role of this variant in disease. Therefore, it has been classified as a Variant of Uncertain Significance.

Blueprint Genetics
Classification: Uncertain significance. Last evaluated: 2024-09-05. Review status: criteria provided, single submitter. Criteria: ACMG Guidelines, 2015. Collection method: clinical testing. Allele origin: germline.

Centre for Genomic Medicine, Manchester, Central Manchester University Hospitals
Classification: Uncertain significance for Occult macular dystrophy. Last evaluated: 2020-09-01. Review status: criteria provided, single submitter. Criteria: ACMG Guidelines, 2015. Collection method: clinical testing. Allele origin: germline. Affected: yes. Observed: 1 heterozygote.

Literature cited by the submitters: PubMed 20591486 (cited by Labcorp Genetics (formerly Invitae), Labcorp); PubMed 25265376 (cited by Labcorp Genetics (formerly Invitae), Labcorp); PubMed 8486634 (cited by Labcorp Genetics (formerly Invitae), Labcorp); PubMed 30977563 (cited by Labcorp Genetics (formerly Invitae), Labcorp).

NM_000539.3(RHO):c.173C>T (p.Thr58Met)

Gene: RHO (rhodopsin; plus strand). Cytogenetic location: 3q22.1.
Variant type: single nucleotide variant.
Coding change: c.173C>T on transcript NM_000539.3 (MANE Select); coding-DNA position 173, C replaced by T.
Protein change: p.Thr58Met; replaces threonine 58 with methionine.
Molecular consequence: missense variant.
Genome position (GRCh38, 1-based): chr3:129,528,906, C>T. VCF-style: chr3-129528906-C-T. GRCh37 (hg19) VCF-style: chr3-129247749-C-T.
Other names: short protein forms T58M.
Identifiers: ClinVar variation 967490 (VCV000967490.12), dbSNP rs28933394, ClinGen allele CA2607073.
Genomic context (GRCh38, chr3:129,528,906, plus strand): 5'-CCATGCTGGCCGCCTACATGTTTCTGCTGATCGTGCTGGGCTTCCCCATCAACTTCCTCA[C>T]GCTCTACGTCACCGTCCAGCACAAGAAGCTGCGCACGCCTCTCAACTACATCCTGCTCAA-3'
Protein context (NP_000530.1, residues 48-68): IVLGFPINFL[Thr58Met]LYVTVQHKKL